The following is an entry in ClinVar:

NM_005733.3(KIF20A):c.2645A>C (p.Lys882Thr)

Gene: KIF20A (kinesin family member 20A; plus strand). Cytogenetic location: 5q31.2.
Variant type: single nucleotide variant.
Coding change: c.2645A>C on transcript NM_005733.3 (MANE Select); coding-DNA position 2645, A replaced by C.
Protein change: p.Lys882Thr; replaces lysine 882 with threonine.
Molecular consequence: missense variant.
Genome position (GRCh38, 1-based): chr5:138,187,385, A>C. VCF-style: chr5-138187385-A-C. GRCh37 (hg19) VCF-style: chr5-137523074-A-C.
Other names: short protein forms K882T.
Identifiers: ClinVar variation 2192913 (VCV002192913.4), dbSNP rs766396022, ClinGen allele CA3426956.

ClinVar aggregate classification (germline): Uncertain significance (1 of 4 stars; one submission).

Allele frequency attached by ClinVar (database versions not stated): ExAC 0.00003; TOPMed 0.00005; gnomAD 0.00006; gnomAD exomes 0.00010.
gnomAD v4.1: 151 of 1,613,362 alleles (0.0094%); highest among the groups gnomAD compares: Non-Finnish European, 0.012%; no homozygotes.

Submission:

Labcorp Genetics (formerly Invitae), Labcorp
Classification: Uncertain significance. Last evaluated: 2025-05-27. Review status: criteria provided, single submitter. Criteria: Invitae Variant Classification Sherloc (09022015). Collection method: clinical testing. Allele origin: germline.
Comment: This sequence change replaces lysine, which is basic and polar, with threonine, which is neutral and polar, at codon 882 of the KIF20A protein (p.Lys882Thr). This variant is present in population databases (rs766396022, gnomAD 0.006%). This variant has not been reported in the literature in individuals affected with KIF20A-related conditions. ClinVar contains an entry for this variant (Variation ID: 2192913). An algorithm developed to predict the effect of missense changes on protein structure and function (PolyPhen-2) suggests that this variant is likely to be tolerated. In summary, the available evidence is currently insufficient to determine the role of this variant in disease. Therefore, it has been classified as a Variant of Uncertain Significance.